The following is an entry in ClinVar:

ClinVar aggregate classification (germline): Pathogenic (1 of 4 stars; one submission).

Conditions:
Nemaline myopathy 10 (NEM10). Identifiers: MedGen C4015360, MONDO:0014513, OMIM 616165.

Submission:

Labcorp Genetics (formerly Invitae), Labcorp
Classification: Pathogenic for Nemaline myopathy 10. Last evaluated: 2024-03-01. Review status: criteria provided, single submitter. Criteria: Invitae Variant Classification Sherloc (09022015). Collection method: clinical testing. Allele origin: germline.
Comment: This sequence change creates a premature translational stop signal (p.Tyr478*) in the LMOD3 gene. It is expected to result in an absent or disrupted protein product. Loss-of-function variants in LMOD3 are known to be pathogenic (PMID: 25250574). This variant is not present in population databases (gnomAD no frequency). This variant has not been reported in the literature in individuals affected with LMOD3-related conditions. For these reasons, this variant has been classified as Pathogenic.

Literature cited by the submitters: PubMed 25250574.

NM_198271.5(LMOD3):c.1434C>G (p.Tyr478Ter)

Gene: LMOD3 (leiomodin 3; minus strand). Cytogenetic location: 3p14.1.
Variant type: single nucleotide variant.
Coding change: c.1434C>G on transcript NM_198271.5 (MANE Select); coding-DNA position 1434, C replaced by G.
Protein change: p.Tyr478Ter; replaces tyrosine 478 with a stop codon.
Molecular consequence: nonsense.
Genome position (GRCh38, 1-based): chr3:69,118,921, G>C on the plus strand (C>G on the coding strand, the complement: LMOD3 is on the minus strand). VCF-style: chr3-69118921-G-C. GRCh37 (hg19) VCF-style: chr3-69168072-G-C.
Other names: c.1434C>G, p.Tyr478Ter (NM_001304418.3); short protein forms Y478*.
Identifiers: ClinVar variation 3643646 (VCV003643646.2).